The following is an entry in ClinVar:

ClinVar aggregate classification (germline): Uncertain significance (1 of 4 stars; one submission).

Conditions:
Familial adenomatous polyposis 1 (FAP1). Also called: FAMILIAL ADENOMATOUS POLYPOSIS 1, ATTENUATED; POLYPOSIS, ADENOMATOUS INTESTINAL. Identifiers: MedGen C2713442, MONDO:0021056, OMIM 175100. Disease mechanism: loss of function.

Allele frequency attached by ClinVar (database versions not stated): gnomAD exomes below 0.00001.
gnomAD v4.1: 1 of 1,613,944 alleles (0.000062%); highest among the groups gnomAD compares: Non-Finnish European, 0.000085%; no homozygotes.

Submission:

Labcorp Genetics (formerly Invitae), Labcorp
Classification: Uncertain significance for Familial adenomatous polyposis 1. Last evaluated: 2024-04-15. Review status: criteria provided, single submitter. Criteria: Invitae Variant Classification Sherloc (09022015). Collection method: clinical testing. Allele origin: germline.
Comment: This sequence change replaces serine, which is neutral and polar, with asparagine, which is neutral and polar, at codon 2113 of the APC protein (p.Ser2113Asn). This variant is not present in population databases (gnomAD no frequency). This variant has not been reported in the literature in individuals affected with APC-related conditions. ClinVar contains an entry for this variant (Variation ID: 1006320). Advanced modeling of protein sequence and biophysical properties (such as structural, functional, and spatial information, amino acid conservation, physicochemical variation, residue mobility, and thermodynamic stability) performed at Invitae indicates that this missense variant is not expected to disrupt APC protein function with a negative predictive value of 95%. In summary, the available evidence is currently insufficient to determine the role of this variant in disease. Therefore, it has been classified as a Variant of Uncertain Significance.

NM_000038.6(APC):c.6338G>A (p.Ser2113Asn)

Gene: APC (APC regulator of Wnt signaling pathway; plus strand). Cytogenetic location: 5q22.2.
Variant type: single nucleotide variant.
Coding change: c.6338G>A on transcript NM_000038.6 (MANE Select); coding-DNA position 6338, G replaced by A.
Protein change: p.Ser2113Asn; replaces serine 2113 with asparagine.
Molecular consequence: missense variant.
Genome position (GRCh38, 1-based): chr5:112,841,932, G>A. VCF-style: chr5-112841932-G-A. GRCh37 (hg19) VCF-style: chr5-112177629-G-A.
Other names: c.6338G>A, p.Ser2113Asn (NM_001127510.3, NM_001354895.2); c.6284G>A, p.Ser2095Asn (NM_001127511.3); c.6392G>A, p.Ser2131Asn (NM_001354896.2); c.6368G>A, p.Ser2123Asn (NM_001354897.2); c.6263G>A, p.Ser2088Asn (NM_001354898.2); c.6254G>A, p.Ser2085Asn (NM_001354899.2); c.6215G>A, p.Ser2072Asn (NM_001354900.2); c.6161G>A, p.Ser2054Asn (NM_001354901.2); and 5 more; short protein forms S1830N, S1953N, S1987N, S2012N, S2022N, S2054N, S2072N, S2085N.
Identifiers: ClinVar variation 1006320 (VCV001006320.48), dbSNP rs1766189874, ClinGen allele CA16035211.
Genomic context (GRCh38, chr5:112,841,932, plus strand): 5'-CCCCTGATTCAGAAAATTTTGATTGGAAAGCTATTCAGGAAGGTGCAAATTCCATAGTAA[G>A]TAGTTTACATCAAGCTGCTGCTGCTGCATGTTTATCTAGACAAGCTTCGTCTGATTCAGA-3'
Protein context (NP_000029.2, residues 2103-2123): AIQEGANSIV[Ser2113Asn]SLHQAAAAAC